The following is an entry in ClinVar:

NM_138395.4(MARS2):c.199C>G (p.Leu67Val)

Genes: MARS2 (methionyl-tRNA synthetase 2, mitochondrial; plus strand), LOC129935365 (ATAC-STARR-seq lymphoblastoid active region 16942; plus strand). Cytogenetic location: 2q33.1.
Variant type: single nucleotide variant.
Coding change: c.199C>G on transcript NM_138395.4 (MANE Select); coding-DNA position 199, C replaced by G.
Protein change: p.Leu67Val; replaces leucine 67 with valine.
Molecular consequence: missense variant.
Genome position (GRCh38, 1-based): chr2:197,705,604, C>G. VCF-style: chr2-197705604-C-G. GRCh37 (hg19) VCF-style: chr2-198570328-C-G.
Other names: short protein forms L67V.
Identifiers: ClinVar variation 2145040 (VCV002145040.4), dbSNP rs147398599, ClinGen allele CA2044540.

ClinVar aggregate classification (germline): Uncertain significance (1 of 4 stars; one submission).

Allele frequency attached by ClinVar (database versions not stated): ExAC 0.00009; gnomAD 0.00010; TOPMed 0.00012; ESP Exome Variant Server 0.00015.

Submission:

Labcorp Genetics (formerly Invitae), Labcorp
Classification: Uncertain significance. Last evaluated: 2026-01-11. Review status: criteria provided, single submitter. Criteria: Invitae Variant Classification Sherloc (09022015). Collection method: clinical testing. Allele origin: germline.
Comment: This sequence change replaces leucine, which is neutral and non-polar, with valine, which is neutral and non-polar, at codon 67 of the MARS2 protein (p.Leu67Val). This variant is present in population databases (rs147398599, gnomAD 0.01%). This variant has not been reported in the literature in individuals affected with MARS2-related conditions. ClinVar contains an entry for this variant (Variation ID: 2145040). Invitae Evidence Modeling of protein sequence and biophysical properties (such as structural, functional, and spatial information, amino acid conservation, physicochemical variation, residue mobility, and thermodynamic stability) indicates that this missense variant is not expected to disrupt MARS2 protein function with a negative predictive value of 80%. In summary, the available evidence is currently insufficient to determine the role of this variant in disease. Therefore, it has been classified as a Variant of Uncertain Significance.